The following is an entry in ClinVar:

ClinVar aggregate classification (germline): Benign/Likely benign. Review status: criteria provided, multiple submitters, no conflicts (2 of 4 stars). 3 submissions from 3 submitters: Benign (1); Likely benign (2). Last evaluated 2026-01-19.

Conditions:
Capillary malformation-arteriovenous malformation syndrome. Also called: Capillary malformation-arteriovenous malformation. Identifiers: Orphanet 137667, MedGen C1842180, MONDO:0012016.
Cardiovascular phenotype. Identifiers: MedGen CN230736.

Allele frequency attached by ClinVar (database versions not stated): gnomAD 0.00009 and 0.00003; gnomAD exomes 0.00014; 1000 Genomes Project 30x 0.00094; TOPMed 0.00015; ExAC 0.00021; 1000 Genomes Project 0.00120.
gnomAD v4.1: 217 of 1,611,650 alleles (0.013%); highest among the groups gnomAD compares: East Asian, 0.38%; 2 homozygotes.

Submissions (3):

Labcorp Genetics (formerly Invitae), Labcorp
Classification: Benign for Capillary malformation-arteriovenous malformation syndrome. Last evaluated: 2026-01-19. Review status: criteria provided, single submitter. Criteria: Invitae Variant Classification Sherloc (09022015). Collection method: clinical testing. Allele origin: germline.

CeGaT Center for Human Genetics Tuebingen
Classification: Likely benign. Last evaluated: 2024-01-01. Review status: criteria provided, single submitter. Criteria: CeGaT Center For Human Genetics Tuebingen Variant Classification Criteria Version 2. Collection method: clinical testing. Allele origin: germline. Affected: yes. Observed: 1 variant allele.
Comment: RASA1: BP4, BP7

Ambry Genetics
Classification: Likely benign for Cardiovascular phenotype. Last evaluated: 2023-03-16. Review status: criteria provided, single submitter. Criteria: Ambry Variant Classification Scheme 2023. Collection method: clinical testing. Allele origin: germline.

NM_002890.3(RASA1):c.3067T>C (p.Leu1023=)

Genes: CCNH (cyclin H; minus strand), RASA1 (RAS p21 protein activator 1; plus strand). Cytogenetic location: 5q14.3.
Variant type: single nucleotide variant.
Coding change: c.3067T>C on transcript NM_002890.3 (MANE Select); coding-DNA position 3067, T replaced by C.
Protein change: p.Leu1023=; no amino-acid change (leucine 1023 retained).
Molecular consequence: synonymous variant. On other transcripts: 3 prime UTR variant (2), non-coding transcript variant (1), intron variant (1).
Genome position (GRCh38, 1-based): chr5:87,390,806, T>C. VCF-style: chr5-87390806-T-C. GRCh37 (hg19) VCF-style: chr5-86686623-T-C.
Other names: c.2536T>C, p.Leu846= (NM_022650.3); c.*2054A>G (NM_001363539.2, NM_001364076.2); c.933+4238A>G (NM_001364075.2).
Identifiers: ClinVar variation 533455 (VCV000533455.33), dbSNP rs3747704, ClinGen allele CA3336226.
Genomic context (GRCh38, chr5:87,390,806, plus strand): 5'-TGAAATTGCTGACCGAGCTTTCATTTATTTTCATACCATTTTTCCTCTGTCTAGCACGTA[T>C]TGAAAAAGCTTCTGGCTATAACAGAACTGCTTCAACAAAAACAAAACCAGTATACAAAAA-3'
Protein context (NP_002881.1, residues 1013-1033): SNERGAQQHV[Leu1023=]KKLLAITELL